The following is an entry in ClinVar:

NM_003200.5(TCF3):c.320C>T (p.Ala107Val)

Gene: TCF3 (transcription factor 3; minus strand). Cytogenetic location: 19p13.3.
Variant type: single nucleotide variant.
Coding change: c.320C>T on transcript NM_003200.5 (MANE Select); coding-DNA position 320, C replaced by T.
Protein change: p.Ala107Val; replaces alanine 107 with valine.
Molecular consequence: missense variant.
Genome position (GRCh38, 1-based): chr19:1,627,405, G>A on the plus strand (C>T on the coding strand, the complement: TCF3 is on the minus strand). VCF-style: chr19-1627405-G-A. GRCh37 (hg19) VCF-style: chr19-1627404-G-A.
Other names: c.320C>T, p.Ala107Val (NM_001136139.4, NM_001351778.2, NM_001351779.2); short protein forms A107V.
Identifiers: ClinVar variation 2500098 (VCV002500098.2), dbSNP rs2063019352, ClinGen allele CA403057406.

ClinVar aggregate classification (germline): Uncertain significance (1 of 4 stars; one submission).

Conditions:
Agammaglobulinemia 8b, autosomal recessive. Also called: AGAMMAGLOBULINEMIA, AUTOSOMAL RECESSIVE, DUE TO TCF3 DEFECT. Identifiers: MedGen C5676958, MONDO:0859234, OMIM 619824.
Agammaglobulinemia 8, autosomal dominant (AGM8A). Also called: AGAMMAGLOBULINEMIA 8A, AUTOSOMAL DOMINANT; AGAMMAGLOBULINEMIA, AUTOSOMAL DOMINANT, DUE TO TCF3 DEFECT. Identifiers: MedGen C4310786, MONDO:0014840, OMIM 616941.

gnomAD v4.1: 2 of 1,612,090 alleles (0.00012%); highest among the groups gnomAD compares: Non-Finnish European, 0.00017%; no homozygotes.

Submission:

Center for Genomics, Ann and Robert H. Lurie Children's Hospital of Chicago
Classification: Uncertain significance for Agammaglobulinemia 8b, autosomal recessive; Agammaglobulinemia 8, autosomal dominant. Review status: criteria provided, single submitter. Criteria: ACMG Guidelines, 2015. Collection method: clinical testing. Allele origin: germline.
Comment: This variant has not been reported in the literature and is not present in large control databases. Evolutionary conservation and computational predictive tools suggest that this variant may not impact the protein. In summary, data on this variant is insufficient for disease classification. Therefore, the clinical significance of this variant is uncertain.